The following is an entry in ClinVar:

NM_000543.5(SMPD1):c.1561C>T (p.Leu521=)

Gene: SMPD1 (sphingomyelin phosphodiesterase 1; plus strand). Cytogenetic location: 11p15.4.
Variant type: single nucleotide variant.
Coding change: c.1561C>T on transcript NM_000543.5 (MANE Select); coding-DNA position 1561, C replaced by T.
Protein change: p.Leu521=; no amino-acid change (leucine 521 retained).
Molecular consequence: synonymous variant. On other transcripts: 3 prime UTR variant (1), non-coding transcript variant (2).
Genome position (GRCh38, 1-based): chr11:6,394,272, C>T. VCF-style: chr11-6394272-C-T. GRCh37 (hg19) VCF-style: chr11-6415502-C-T.
Other names: c.1558C>T, p.Leu520= (NM_001007593.3); c.*54C>T (NM_001318087.2); c.640C>T, p.Leu214= (NM_001318088.2); c.1429C>T, p.Leu477= (NM_001365135.2).
Identifiers: ClinVar variation 289949 (VCV000289949.54), dbSNP rs147258619, ClinGen allele CA5852935.

ClinVar aggregate classification (germline): Conflicting classifications of pathogenicity. Review status: criteria provided, conflicting classifications (1 of 4 stars). 9 submissions from 9 submitters: Uncertain significance (1); Benign (2); Likely benign (3). 3 of the submissions do not count toward it. Last evaluated 2026-01-28.

Conditions:
SMPD1-related disorder. Also called: SMPD1-related condition.
Niemann-Pick disease, type B. Also called: Chronic Visceral ASMD (Niemann-Pick Disease Type B; NPD-B). Identifiers: Orphanet 77293, MedGen C0268243, MONDO:0011871, OMIM 607616. Disease mechanism: loss of function.
Niemann-Pick disease, type A. Also called: SPHINGOMYELIN LIPIDOSIS; SPHINGOMYELINASE DEFICIENCY; Infantile Neurovisceral ASMD (Niemann-Pick Disease Type A; NPD-A). Identifiers: Orphanet 77292, MedGen C0268242, MONDO:0009756, OMIM 257200. Disease mechanism: loss of function.

Allele frequency attached by ClinVar (database versions not stated): gnomAD exomes 0.00030 and 0.00079; ExAC 0.00085; 1000 Genomes Project 0.00220; 1000 Genomes Project 30x 0.00250; gnomAD 0.00316 and 0.00349; ESP Exome Variant Server 0.00346; TOPMed 0.00360.

Submissions (9):

Labcorp Genetics (formerly Invitae), Labcorp
Classification: Benign for Niemann-Pick disease, type B; Niemann-Pick disease, type A. Last evaluated: 2026-01-28. Review status: criteria provided, single submitter. Criteria: Invitae Variant Classification Sherloc (09022015). Collection method: clinical testing. Allele origin: germline.

CeGaT Center for Human Genetics Tuebingen
Classification: Likely benign. Last evaluated: 2025-04-01. Review status: criteria provided, single submitter. Criteria: CeGaT Center For Human Genetics Tuebingen Variant Classification Criteria Version 2. Collection method: clinical testing. Allele origin: germline. Affected: yes. Observed: 2 variant alleles.
Comment: SMPD1: BP4, BP7, BS1

Blueprint Genetics
Classification: Likely benign. Last evaluated: 2024-10-24. Review status: criteria provided, single submitter. Criteria: ACMG Guidelines, 2015. Collection method: clinical testing. Allele origin: germline.

GeneDx
Classification: Likely benign. Last evaluated: 2021-03-19. Review status: criteria provided, single submitter. Criteria: GeneDx Variant Classification Process June 2021. Collection method: clinical testing. Allele origin: germline. Affected: yes.

Illumina Laboratory Services, Illumina
Classification: Uncertain significance for Niemann-Pick disease, type A. Last evaluated: 2017-04-27. Review status: criteria provided, single submitter. Criteria: ICSL Variant Classification Criteria 13 December 2019. Collection method: clinical testing. Allele origin: germline.

Eurofins Ntd Llc (ga)
Classification: Benign. Last evaluated: 2016-08-26. Review status: criteria provided, single submitter. Criteria: EGL Classification Definitions 2015. Collection method: clinical testing. Allele origin: germline. Observed: 1 variant allele, 1 heterozygote.

PreventionGenetics, part of Exact Sciences
Classification: Likely benign for SMPD1-related condition. Last evaluated: 2019-02-25. Review status: no assertion criteria provided. Collection method: clinical testing. Allele origin: germline. Not counted in ClinVar's aggregate classification.
Comment: This variant is classified as likely benign based on ACMG/AMP sequence variant interpretation guidelines (Richards et al. 2015 PMID: 25741868, with internal and published modifications).

Mayo Clinic Laboratories, Mayo Clinic
Classification: Likely benign. Last evaluated: 2017-08-30. Review status: no assertion criteria provided. Collection method: clinical testing. Allele origin: unknown. Not counted in ClinVar's aggregate classification.

Natera, Inc.
Classification: Likely benign for Niemann-Pick Disease, Types A/B. Last evaluated: 2017-05-05. Review status: no assertion criteria provided. Collection method: clinical testing. Allele origin: germline. Not counted in ClinVar's aggregate classification.